The following is an entry in ClinVar:

ClinVar aggregate classification (germline): Uncertain significance (1 of 4 stars; one submission).

Conditions:
Autoimmune lymphoproliferative syndrome type 2A (ALPS2A). Also called: AUTOIMMUNE LYMPHOPROLIFERATIVE SYNDROME, TYPE IIA; CASP10-Related Autoimmune Lymphoproliferative Syndrome; Autoimmune lymphoproliferative syndrome type 2. Identifiers: Orphanet 3261, MedGen C1858968, MONDO:0011383, OMIM 603909.

Allele frequency attached by ClinVar (database versions not stated): gnomAD exomes 0.00001; ExAC 0.00003.
gnomAD v4.1: 10 of 1,612,330 alleles (0.00062%); highest among the groups gnomAD compares: South Asian, 0.0099%; no homozygotes.

Submission:

Labcorp Genetics (formerly Invitae), Labcorp
Classification: Uncertain significance for Autoimmune lymphoproliferative syndrome type 2A. Last evaluated: 2021-09-20. Review status: criteria provided, single submitter. Criteria: Invitae Variant Classification Sherloc (09022015). Collection method: clinical testing. Allele origin: germline.
Comment: In summary, the available evidence is currently insufficient to determine the role of this variant in disease. Therefore, it has been classified as a Variant of Uncertain Significance. This sequence change replaces asparagine with serine at codon 325 of the CASP10 protein (p.Asn325Ser). The asparagine residue is weakly conserved and there is a small physicochemical difference between asparagine and serine. This variant is present in population databases (rs764487945, ExAC 0.02%). This variant has not been reported in the literature in individuals affected with CASP10-related conditions. Algorithms developed to predict the effect of missense changes on protein structure and function (SIFT, PolyPhen-2, Align-GVGD) all suggest that this variant is likely to be tolerated.

NM_032977.4(CASP10):c.974A>G (p.Asn325Ser)

Gene: CASP10 (caspase 10; plus strand). Cytogenetic location: 2q33.1.
Variant type: single nucleotide variant.
Coding change: c.974A>G on transcript NM_032977.4 (MANE Select); coding-DNA position 974, A replaced by G.
Protein change: p.Asn325Ser; replaces asparagine 325 with serine.
Molecular consequence: missense variant. On other transcripts: 3 prime UTR variant (1).
Genome position (GRCh38, 1-based): chr2:201,209,121, A>G. VCF-style: chr2-201209121-A-G. GRCh37 (hg19) VCF-style: chr2-202073844-A-G.
Other names: c.773A>G, p.Asn258Ser (NM_001206524.2); c.845A>G, p.Asn282Ser (NM_001206542.2, NM_001230.5); c.974A>G, p.Asn325Ser (NM_032974.5); c.*60A>G (NM_032976.4); short protein forms N325S, N258S, N282S.
Identifiers: ClinVar variation 1486343 (VCV001486343.6), dbSNP rs764487945, ClinGen allele CA2053154.